The following is an entry in ClinVar:

NM_004174.4(SLC9A3):c.442G>A (p.Val148Ile)

Gene: SLC9A3 (solute carrier family 9 member A3). Cytogenetic location: 5p15.33.
Variant type: single nucleotide variant.
Coding change: c.442G>A on transcript NM_004174.4 (MANE Select); coding-DNA position 442, G replaced by A.
Protein change: p.Val148Ile; replaces valine 148 with isoleucine.
Molecular consequence: missense variant.
Genome position (GRCh38, 1-based): chr5:491,841, C>T on the plus strand (G>A on the coding strand, the complement: SLC9A3 is on the minus strand). VCF-style: chr5-491841-C-T. GRCh37 (hg19) VCF-style: chr5-491956-C-T.
Other names: c.442G>A, p.Val148Ile (NM_001284351.3); c.442G>A (NM_004174.2); short protein forms V148I.
Identifiers: ClinVar variation 1477940 (VCV001477940.4), dbSNP rs765054136, ClinGen allele CA3176338.

ClinVar aggregate classification (germline): Uncertain significance. Review status: criteria provided, multiple submitters, no conflicts (2 of 4 stars). 2 submissions from 2 submitters: Uncertain significance (2). Last evaluated 2024-01-23.

Conditions:
Inborn genetic diseases. Identifiers: MedGen C0950123, MeSH D030342.

Allele frequency attached by ClinVar (database versions not stated): gnomAD exomes 0.00004 and 0.00005; ExAC 0.00006; gnomAD 0.00009 and 0.00011; TOPMed 0.00017.
gnomAD v4.1: 76 of 1,601,632 alleles (0.0047%); highest among the groups gnomAD compares: Middle Eastern, 0.017%; no homozygotes.

Submissions (2):

Ambry Genetics
Classification: Uncertain significance for Inborn genetic diseases. Last evaluated: 2024-01-23. Review status: criteria provided, single submitter. Criteria: Ambry Variant Classification Scheme 2023. Collection method: clinical testing. Allele origin: germline.

Labcorp Genetics (formerly Invitae), Labcorp
Classification: Uncertain significance. Last evaluated: 2022-09-26. Review status: criteria provided, single submitter. Criteria: Invitae Variant Classification Sherloc (09022015). Collection method: clinical testing. Allele origin: germline.
Comment: This sequence change replaces valine, which is neutral and non-polar, with isoleucine, which is neutral and non-polar, at codon 148 of the SLC9A3 protein (p.Val148Ile). This variant is present in population databases (rs765054136, gnomAD 0.03%). This variant has not been reported in the literature in individuals affected with SLC9A3-related conditions. ClinVar contains an entry for this variant (Variation ID: 1477940). Advanced modeling of protein sequence and biophysical properties (such as structural, functional, and spatial information, amino acid conservation, physicochemical variation, residue mobility, and thermodynamic stability) performed at Invitae indicates that this missense variant is not expected to disrupt SLC9A3 protein function. In summary, the available evidence is currently insufficient to determine the role of this variant in disease. Therefore, it has been classified as a Variant of Uncertain Significance.